The following is an entry in ClinVar:

NM_000051.4(ATM):c.7172C>T (p.Ala2391Val)

Genes: ATM (ATM serine/threonine kinase; plus strand), C11orf65 (chromosome 11 open reading frame 65; minus strand). Cytogenetic location: 11q22.3.
Variant type: single nucleotide variant.
Coding change: c.7172C>T on transcript NM_000051.4 (MANE Select); coding-DNA position 7172, C replaced by T.
Protein change: p.Ala2391Val; replaces alanine 2391 with valine.
Molecular consequence: missense variant. On other transcripts: intron variant (2).
Genome position (GRCh38, 1-based): chr11:108,329,103, C>T. VCF-style: chr11-108329103-C-T. GRCh37 (hg19) VCF-style: chr11-108199830-C-T.
Other names: c.7172C>T, p.Ala2391Val (NM_001351834.2); c.641-20032G>A (NM_001330368.2); c.*38+6117G>A (NM_001351110.2); short protein forms A2391V.
Identifiers: ClinVar variation 852277 (VCV000852277.9), dbSNP rs2085981550, ClinGen allele CA382559557.

ClinVar aggregate classification (germline): Uncertain significance. Review status: criteria provided, multiple submitters, no conflicts (2 of 4 stars). 2 submissions from 2 submitters: Uncertain significance (2). Last evaluated 2025-07-31.

Conditions:
Hereditary cancer-predisposing syndrome. Also called: Tumor predisposition; Neoplastic Syndromes, Hereditary; Hereditary Cancer Syndrome; Hereditary neoplastic syndrome. Identifiers: Orphanet 140162, MedGen C0027672, MeSH D009386, MONDO:0015356.
Ataxia-telangiectasia syndrome (AT). Also called: ATAXIA-TELANGIECTASIA, COMPLEMENTATION GROUP A; ATAXIA-TELANGIECTASIA, FRESNO VARIANT; Ataxia-telangiectasia; Ataxia-telangiectasia, complementation group D; AT, COMPLEMENTATION GROUP C; Ataxia-telangiectasia, complementation group E. Identifiers: Orphanet 100, MedGen C0004135, MONDO:0008840, OMIM 208900.

Submissions (2):

Ambry Genetics
Classification: Uncertain significance for Hereditary cancer-predisposing syndrome. Last evaluated: 2025-07-31. Review status: criteria provided, single submitter. Criteria: Ambry Variant Classification Scheme 2023. Collection method: clinical testing. Allele origin: germline.
Comment: The p.A2391V variant (also known as c.7172C>T), located in coding exon 48 of the ATM gene, results from a C to T substitution at nucleotide position 7172. The alanine at codon 2391 is replaced by valine, an amino acid with similar properties. This amino acid position is conserved. In addition, this alteration is predicted to be deleterious by in silico analysis. Based on the available evidence, the clinical significance of this variant remains unclear.

Labcorp Genetics (formerly Invitae), Labcorp
Classification: Uncertain significance for Ataxia-telangiectasia syndrome. Last evaluated: 2025-07-06. Review status: criteria provided, single submitter. Criteria: Invitae Variant Classification Sherloc (09022015). Collection method: clinical testing. Allele origin: germline.
Comment: This sequence change replaces alanine, which is neutral and non-polar, with valine, which is neutral and non-polar, at codon 2391 of the ATM protein (p.Ala2391Val). This variant is not present in population databases (gnomAD no frequency). This variant has not been reported in the literature in individuals affected with ATM-related conditions. ClinVar contains an entry for this variant (Variation ID: 852277). Invitae Evidence Modeling of protein sequence and biophysical properties (such as structural, functional, and spatial information, amino acid conservation, physicochemical variation, residue mobility, and thermodynamic stability) indicates that this missense variant is expected to disrupt ATM protein function with a positive predictive value of 80%. In summary, the available evidence is currently insufficient to determine the role of this variant in disease. Therefore, it has been classified as a Variant of Uncertain Significance.